The following is an entry in ClinVar:

NM_001369268.1(ACAN):c.7303C>T (p.Gln2435Ter)

Gene: ACAN (aggrecan; plus strand). Cytogenetic location: 15q26.1.
Variant type: single nucleotide variant.
Coding change: c.7303C>T on transcript NM_001369268.1 (MANE Select); coding-DNA position 7303, C replaced by T.
Protein change: p.Gln2435Ter; replaces glutamine 2435 with a stop codon.
Molecular consequence: nonsense.
Genome position (GRCh38, 1-based): chr15:88,872,881, C>T. VCF-style: chr15-88872881-C-T. GRCh37 (hg19) VCF-style: chr15-89416112-C-T.
Other names: c.7075C>T, p.Gln2359Ter (NM_001135.4, NM_001411096.1); c.7189C>T, p.Gln2397Ter (NM_001411097.1, NM_013227.4); short protein forms Q2397*, Q2435*, Q2359*.
Identifiers: ClinVar variation 3664205 (VCV003664205.2).

ClinVar aggregate classification (germline): Pathogenic (1 of 4 stars; one submission).

Submission:

Labcorp Genetics (formerly Invitae), Labcorp
Classification: Pathogenic. Last evaluated: 2024-09-01. Review status: criteria provided, single submitter. Criteria: Invitae Variant Classification Sherloc (09022015). Collection method: clinical testing. Allele origin: germline.
Comment: This sequence change creates a premature translational stop signal (p.Gln2397*) in the ACAN gene. It is expected to result in an absent or disrupted protein product. Loss-of-function variants in ACAN are known to be pathogenic (PMID: 16080123, 24762113). This variant is not present in population databases (gnomAD no frequency). This variant has not been reported in the literature in individuals affected with ACAN-related conditions. For these reasons, this variant has been classified as Pathogenic.

Literature cited by the submitters: PubMed 16080123; PubMed 24762113.